The following is an entry in ClinVar:

NM_000284.4(PDHA1):c.989C>G (p.Ala330Gly)

Gene: PDHA1 (pyruvate dehydrogenase E1 subunit alpha 1; plus strand). Cytogenetic location: Xp22.12.
Variant type: single nucleotide variant.
Coding change: c.989C>G on transcript NM_000284.4 (MANE Select); coding-DNA position 989, C replaced by G.
Protein change: p.Ala330Gly; replaces alanine 330 with glycine.
Molecular consequence: missense variant.
Genome position (GRCh38, 1-based): chrX:19,359,005, C>G. VCF-style: chrX-19359005-C-G. GRCh37 (hg19) VCF-style: chrX-19377123-C-G.
Other names: c.989C>G (NM_000284.3); c.1103C>G, p.Ala368Gly (NM_001173454.2); c.1010C>G, p.Ala337Gly (NM_001173455.2); c.896C>G, p.Ala299Gly (NM_001173456.2); short protein forms A330G, A299G, A337G, A368G.
Identifiers: ClinVar variation 2737101 (VCV002737101.5), dbSNP rs2063233462, ClinGen allele CA412396262.
Genomic context (GRCh38, chrX:19,359,005, plus strand): 5'-TAAGAAGTAAGAGTGACCCTATTATGCTTCTCAAGGACAGGATGGTGAACAGCAATCTTG[C>G]CAGTGTGGAAGAACTAAAGGTACAGTCACTTGTTCATGGTGGTTTGAAGGTTGGCTTTAA-3'
Protein context (NP_000275.1, residues 320-340): LKDRMVNSNL[Ala330Gly]SVEELKEIDV

ClinVar aggregate classification (germline): Conflicting classifications of pathogenicity. Review status: criteria provided, conflicting classifications (1 of 4 stars). 3 submissions from 3 submitters: Likely pathogenic (1); Uncertain significance (1). 1 of the submissions does not count toward it. Last evaluated 2026-02-12.

Conditions:
Pyruvate dehydrogenase E1-alpha deficiency (PDHAD). Also called: ATAXIA, INTERMITTENT, WITH PYRUVATE DEHYDROGENASE DEFICIENCY; ATAXIA WITH LACTIC ACIDOSIS I; ATAXIA, INTERMITTENT, WITH ABNORMAL PYRUVATE METABOLISM; Ataxia, intermittent, with pyruvate dehydrogenase, or decarboxylase, deficiency. Identifiers: Orphanet 79243, MedGen C1839413, MONDO:0010717, OMIM 312170.

Allele frequency attached by ClinVar (database versions not stated): gnomAD exomes 0.00001.
gnomAD v4.1: 12 of 1,169,428 alleles (0.001%); highest among the groups gnomAD compares: Non-Finnish European, 0.0014%; no homozygotes.

Submissions (3):

GeneDx
Classification: Uncertain significance. Last evaluated: 2026-02-12. Review status: criteria provided, single submitter. Criteria: GeneDx Variant Classification Process June 2021. Collection method: clinical testing. Allele origin: germline.
Comment: Not observed at significant frequency in large population cohorts (gnomAD); In silico analysis supports that this missense variant has a deleterious effect on protein structure/function; This variant is associated with the following publications: (PMID: 28918066)

Labcorp Genetics (formerly Invitae), Labcorp
Classification: Likely pathogenic for Pyruvate dehydrogenase E1-alpha deficiency. Last evaluated: 2023-12-09. Review status: criteria provided, single submitter. Criteria: Invitae Variant Classification Sherloc (09022015). Collection method: clinical testing. Allele origin: germline.
Comment: This sequence change replaces alanine, which is neutral and non-polar, with glycine, which is neutral and non-polar, at codon 330 of the PDHA1 protein (p.Ala330Gly). This variant is not present in population databases (gnomAD no frequency). This missense change has been observed in individual(s) with pyruvate dehydrogenase E1-alpha deficiency (PMID: 28918066). Advanced modeling of protein sequence and biophysical properties (such as structural, functional, and spatial information, amino acid conservation, physicochemical variation, residue mobility, and thermodynamic stability) performed at Invitae indicates that this missense variant is expected to disrupt PDHA1 protein function with a positive predictive value of 95%. In summary, the currently available evidence indicates that the variant is pathogenic, but additional data are needed to prove that conclusively. Therefore, this variant has been classified as Likely Pathogenic.

PDHA1 Study Group, University Children’s Hospital, Paracelsus Medical University
Classification: Likely pathogenic for Pyruvate dehydrogenase E1-alpha deficiency. Last evaluated: 2024-10-15. Review status: no assertion criteria provided. Collection method: research. Allele origin: germline. Affected: yes. Observed: 1 variant allele. Not counted in ClinVar's aggregate classification.
Comment: The NM_000284.3:c.989C>G (p.Ala330Gly) substitution is a missense variant in PDHA1 gene. The variant has been reported in 1 published case (PMIDs: 28918066). Last literature search: July 12, 2024. This variant is absent or extremely rare in population-based cohorts in the Genome Aggregation Database (gnomAD). Individuals harboring this variant presented with clinical features compatible with PDHA1-related PDHc deficiency. In summary, this variant meets criteria to be classified as likely pathogenic (LP) for PDHA1-related PDHc deficiency based on the ACMG/AMP criteria applied: PM2, PM7, PP3, PP6 (last assessment October 15, 2024).

Literature cited by the submitters: PubMed 28918066 (cited by Labcorp Genetics (formerly Invitae), Labcorp and PDHA1 Study Group, University Children’s Hospital, Paracelsus Medical University); DOI 10.1093/brain/awaf430 (cited by PDHA1 Study Group, University Children’s Hospital, Paracelsus Medical University).